The following is an entry in ClinVar:

ClinVar aggregate classification (germline): Likely pathogenic. Review status: criteria provided, multiple submitters, no conflicts (2 of 4 stars). 2 submissions from 2 submitters: Likely pathogenic (2). Last evaluated 2024-06-07.

Conditions:
Mucopolysaccharidosis, MPS-II (MPS2). Also called: Attenuated MPS (subtype; formerly known as mild MPS II); Severe MPS II; I2S deficiency; MPS 2; Mucopolysaccharidosis with skin involvement; IDS deficiency. Identifiers: Orphanet 580, Orphanet 79388, MedGen C0026705, MONDO:0010674, OMIM 309900.

Submissions (2):

Laboratory of Diagnosis and Therapy of Lysosomal Disorders, University of Padova
Classification: Likely pathogenic for Mucopolysaccharidosis, MPS-II. Last evaluated: 2024-06-07. Review status: criteria provided, single submitter. Criteria: ACMG Guidelines, 2015. Collection method: literature only. Allele origin: germline. Affected: yes. Observed: 1 variant allele.
Comment: Absent from controls (or at low frequency) in gnomAD database (PM2_Moderate), Missense change at the same amino acid residue as a pathogenic variant (PM5_Moderate), Missense variant in a gene with a low rate of benign missense variation (PP2_Supporting), Multiple lines of computational evidence support a deleterious effect (PP3_Supporting), Patient’s phenotype or family history highly specific for the disease (PP4_Moderate)

Classification method: ACMG Guidelines [PMID:25741868] with modifications

Eurofins Ntd Llc (ga)
Classification: Likely pathogenic. Last evaluated: 2017-05-02. Review status: criteria provided, single submitter. Criteria: EGL Classification Definitions 2015. Collection method: clinical testing. Allele origin: germline. Observed: 1 variant allele, 1 hemizygote.

Literature cited by the submitters: PubMed 24125893 (cited by Laboratory of Diagnosis and Therapy of Lysosomal Disorders, University of Padova and Eurofins Ntd Llc (ga)).

NM_000202.8(IDS):c.479C>A (p.Pro160His)

Genes: IDS (iduronate 2-sulfatase; minus strand), LOC106050102 (IDS recombination region; plus strand). Cytogenetic location: Xq28.
Variant type: single nucleotide variant.
Coding change: c.479C>A on transcript NM_000202.8 (MANE Select); coding-DNA position 479, C replaced by A.
Protein change: p.Pro160His; replaces proline 160 with histidine.
Molecular consequence: missense variant. On other transcripts: non-coding transcript variant (1).
Genome position (GRCh38, 1-based): chrX:149,500,977, G>T on the plus strand (C>A on the coding strand, the complement: IDS is on the minus strand). VCF-style: chrX-149500977-G-T. GRCh37 (hg19) VCF-style: chrX-148582508-G-T.
Other names: c.209C>A, p.Pro70His (NM_001166550.4); c.479C>A, p.Pro160His (NM_006123.5); short protein forms P160H, P70H.
Identifiers: ClinVar variation 501150 (VCV000501150.6), dbSNP rs104894856, ClinGen allele CA414523038.
Genomic context (GRCh38, chrX:149,500,977, plus strand): 5'-CCTCTTCAGAAATGTCCCTTTCACAGCCTTACCTTAGTGTTTTCATACTTCTCAGAGGAA[G>T]GATGATAAGGTGGAAAAGACCAGCTATACGGAGAATCATCGGTATGGTTAGAAGATATCC-3'
Protein context (NP_000193.1, residues 150-170): PYSWSFPPYH[Pro160His]SSEKYENTKT